The following is an entry in ClinVar:

NM_003924.4(PHOX2B):c.483_494del (p.Ala164_Ala167del)

Gene: PHOX2B (paired like homeobox 2B; minus strand). Cytogenetic location: 4p13.
Variant type: Deletion.
Coding change: c.483_494del on transcript NM_003924.4 (MANE Select); coding-DNA positions 483 to 494, 12 bases deleted (AGCCGCAGCGGC).
Protein change: p.Ala164_Ala167del.
Molecular consequence: inframe deletion.
Genome position (GRCh38, 1-based): chr4:41,746,258-41,746,269, GCCGCTGCGGCT deleted on the plus strand (AGCCGCAGCGGC on the coding strand, the reverse complement: PHOX2B is on the minus strand); deleting any 12 consecutive bases within chr4:41,746,258-41,746,278 gives the same sequence; the c. name uses the placement nearest the transcript's 3' end. VCF-style (leftmost placement, unchanged base first): chr4-41746257-GGCCGCTGCGGCT-G. GRCh37 (hg19) VCF-style: chr4-41748274-GGCCGCTGCGGCT-G.
Identifiers: ClinVar variation 2739698 (VCV002739698.3), dbSNP rs1351806501, ClinGen allele CA794915032.

ClinVar aggregate classification (germline): Uncertain significance (1 of 4 stars; one submission).

Conditions:
Haddad syndrome (OHD). Also called: Ondine-Hirschsprung disease. Identifiers: Orphanet 99803, MedGen C1859049, MONDO:0020493.

Submission:

Labcorp Genetics (formerly Invitae), Labcorp
Classification: Uncertain significance for Haddad syndrome. Last evaluated: 2023-10-28. Review status: criteria provided, single submitter. Criteria: Invitae Variant Classification Sherloc (09022015). Collection method: clinical testing. Allele origin: germline.
Comment: This variant, c.483_494del, results in the deletion of 4 amino acid(s) of the PHOX2B protein (p.Ala164_Ala167del), but otherwise preserves the integrity of the reading frame. This variant is not present in population databases (gnomAD no frequency). This variant has not been reported in the literature in individuals affected with PHOX2B-related conditions. Experimental studies and prediction algorithms are not available or were not evaluated, and the functional significance of this variant is currently unknown. In summary, the available evidence is currently insufficient to determine the role of this variant in disease. Therefore, it has been classified as a Variant of Uncertain Significance.